The following continues an entry in ClinVar:

NM_000059.4(BRCA2):c.5213_5216del (p.Thr1738fs)

Gene: BRCA2. ClinVar aggregate classification (germline): Pathogenic. Pathogenic (1).

Submissions 12 to 35 of 35:

Revvity Omics, Revvity
Classification: Pathogenic. Last evaluated: 2023-11-20. Review status: criteria provided, single submitter. Criteria: ACMG Guidelines, 2015. Collection method: clinical testing. Allele origin: germline. Not counted in ClinVar's aggregate classification.

Division of Human Genetics, National Health Laboratory Service/University of the Witwatersrand
Classification: Pathogenic for Hereditary cancer-predisposing syndrome. Last evaluated: 2023-07-01. Review status: criteria provided, single submitter. Criteria: ACMG Guidelines, 2015. Collection method: research. Allele origin: germline. Affected: yes. Not counted in ClinVar's aggregate classification.

CHEO Genetics Diagnostic Laboratory, Children's Hospital of Eastern Ontario
Classification: Pathogenic for Breast and/or ovarian cancer. Last evaluated: 2023-06-09. Review status: criteria provided, single submitter. Criteria: ACMG Guidelines, 2015. Collection method: clinical testing. Allele origin: germline. Not counted in ClinVar's aggregate classification.

National Health Laboratory Service, Universitas Academic Hospital and University of the Free State
Classification: Pathogenic for Hereditary breast ovarian cancer syndrome. Last evaluated: 2021-11-16. Review status: criteria provided, single submitter. Criteria: ACMG Guidelines, 2015. Collection method: clinical testing. Allele origin: germline. Affected: yes. Observed: 1 variant allele. Not counted in ClinVar's aggregate classification.

Human Genetics Bochum, Ruhr University Bochum
Classification: Pathogenic for Pancreatic cancer, susceptibility to, 2. Last evaluated: 2021-11-10. Review status: criteria provided, single submitter. Criteria: ACMG Guidelines, 2015. Collection method: clinical testing. Allele origin: germline. Affected: yes. Not counted in ClinVar's aggregate classification.
Comment: ACMG criteria used to clasify this variant: PVS1, PM2, PS4

MGZ Medical Genetics Center
Classification: Pathogenic for Breast-ovarian cancer, familial, susceptibility to, 2. Last evaluated: 2021-07-19. Review status: criteria provided, single submitter. Criteria: ACMG Guidelines, 2015. Collection method: clinical testing. Allele origin: germline. Affected: yes. Observed: 1 variant allele. Not counted in ClinVar's aggregate classification.
Comment: ACMG criteria applied: PVS1, PS4, PM2_SUP

Women's Health and Genetics/Laboratory Corporation of America, LabCorp
Classification: Pathogenic for Hereditary breast ovarian cancer syndrome. Last evaluated: 2021-05-17. Review status: criteria provided, single submitter. Criteria: LabCorp Variant Classification Summary - May 2015. Collection method: clinical testing. Allele origin: germline. Not counted in ClinVar's aggregate classification.
Comment: Variant summary: BRCA2 c.5213_5216delCTTA (p.Thr1738IlefsX2) results in a premature termination codon, predicted to cause a truncation of the encoded protein or absence of the protein due to nonsense mediated decay, which are commonly known mechanisms for disease. Truncations downstream of this position have been classified as pathogenic by our laboratory. The variant allele was found at a frequency of 4e-06 in 251212 control chromosomes. c.5213_5216delCTTA has been widely reported in the literature in multiple individuals affected with Hereditary Breast And Ovarian Cancer Syndrome (example, Rebbeck_2018). These data indicate that the variant is very likely to be associated with disease. Multiple clinical diagnostic laboratories, an expert panel (ENIGMA) and a consortium (CIMBA) have submitted clinical-significance assessments for this variant to ClinVar after 2014 without evidence for independent evaluation. All submitters classified the variant as pathogenic. Based on the evidence outlined above, the variant was classified as pathogenic.

Quest Diagnostics Nichols Institute San Juan Capistrano
Classification: Pathogenic. Last evaluated: 2020-11-23. Review status: criteria provided, single submitter. Criteria: Quest Diagnostics criteria. Collection method: clinical testing. Allele origin: unknown. Not counted in ClinVar's aggregate classification.
Comment: This frameshift variant causes the premature termination of BRCA2 protein synthesis. In addition, it has been reported in multiple individuals with hereditary breast and/or ovarian cancer in the published literature (PMID: 29625052 (2018), 28814288 (2017), 27831900 (2016), 26659639 (2016), 26577449 (2015), 24728189 (2014), 24156927 (2014), 24504028 (2014), 22923021 (2012), 11920643 (2002)). Based on the available information, this variant is classified as pathogenic.

Laboratory for Molecular Medicine, Mass General Brigham Personalized Medicine
Classification: Pathogenic for Hereditary breast ovarian cancer syndrome. Last evaluated: 2020-06-19. Review status: criteria provided, single submitter. Criteria: ACMG Guidelines, 2015. Collection method: clinical testing. Allele origin: germline. Not counted in ClinVar's aggregate classification.
Comment: The p.Thr1738IlefsX2 variant in BRCA2 has been reported in at least 50 individuals with BRCA2-related cancer (first reported in: van der Hout 2006 PMID: 16683254). It has also been identified in 1/112458 European chromosomes by gnomAD. This variant was classified as pathogenic on 09/08/16 by the ClinGen-approved ENIGMA expert panel (Variation ID 37951). This variant is predicted to cause a frameshift, which alters the protein’s amino acid sequence beginning at position 1738 and leads to a premature termination codon 2 amino acids downstream. This alteration is then predicted to lead to a truncated or absent protein. Loss of function of the BRCA2 gene is an established disease mechanism in autosomal dominant hereditary breast and ovarian cancer (HBOC). Two other variants, c.5212dup and c.5213del, both resulting in the same amino acid change have been identified in individuals with HBOC and are classified as pathogenic in ClinVar. In summary, this variant meets criteria to be classified as pathogenic for autosomal dominant HBOC. ACMG/AMP Criteria applied: PVS1, PS1, PM2, PS4.

Department of Molecular Diagnostics, Institute of Oncology Ljubljana
Classification: Pathogenic for Breast-ovarian cancer, familial, susceptibility to, 1. Last evaluated: 2020-04-02. Review status: criteria provided, single submitter. Criteria: ACMG Guidelines, 2015. Collection method: clinical testing. Allele origin: germline. Affected: yes. Not counted in ClinVar's aggregate classification.

GeneKor MSA
Classification: Pathogenic. Last evaluated: 2020-01-01. Review status: criteria provided, single submitter. Criteria: ACMG Guidelines, 2015. Collection method: clinical testing. Allele origin: germline. Not counted in ClinVar's aggregate classification.
Comment: This sequence change deletes four nucleotides from exon 11 of the BRCA2 mRNA (c.5213_5216delCTTA), causing a frameshift after codon 1738 and the creation of a premature translational stop signal 2 amino acid residues later p.(Thr1738Ilefs*2). This is expected to result in an absent or disrupted protein product. Truncating variants in BRCA2 are known to be pathogenic. This particular sequence change has been reported in individuals with breast and/or ovarian cancer (PMID: 11920643, 24504028). This variant is also known as 5439delTACT in the literature. The mutation database ClinVar contains entries for this variant (Variation ID: 37951).

Mendelics
Classification: Pathogenic for Hereditary breast and ovarian cancer syndrome. Last evaluated: 2018-07-02. Review status: criteria provided, single submitter. Criteria: Mendelics Assertion Criteria 2017. Collection method: clinical testing. Allele origin: unknown. Not counted in ClinVar's aggregate classification.

CeGaT Center for Human Genetics Tuebingen
Classification: Pathogenic. Last evaluated: 2018-06-01. Review status: criteria provided, single submitter. Criteria: CeGaT Center For Human Genetics Tuebingen Variant Classification Criteria Version 2. Collection method: clinical testing. Allele origin: germline. Affected: yes. Observed: 1 variant allele. Not counted in ClinVar's aggregate classification.

Genologica Medica
Classification: Pathogenic for Breast-ovarian cancer, familial, susceptibility to, 2. Last evaluated: 2017-01-01. Review status: criteria provided, single submitter. Criteria: ACMG Guidelines, 2015. Collection method: clinical testing. Allele origin: germline. Affected: yes. Not counted in ClinVar's aggregate classification.

Consortium of Investigators of Modifiers of BRCA1/2 (CIMBA), c/o University of Cambridge
Classification: Pathogenic for Breast-ovarian cancer, familial, susceptibility to, 2. Last evaluated: 2015-10-02. Review status: criteria provided, single submitter. Criteria: CIMBA Mutation Classification guidelines May 2016. Collection method: clinical testing. Allele origin: germline. Not counted in ClinVar's aggregate classification.

Clinical Genetics DNA and cytogenetics Diagnostics Lab, Erasmus MC, Erasmus Medical Center
Classification: Pathogenic for Breast-ovarian cancer, familial, susceptibility to, 2. Last evaluated: 2015-09-21. Review status: criteria provided, single submitter. Criteria: ACGS Guidelines, 2013. Collection method: clinical testing. Allele origin: germline. Affected: yes. Study: VKGL Data-share Consensus. Not counted in ClinVar's aggregate classification.

PreventionGenetics, part of Exact Sciences
Classification: Pathogenic for BRCA2-related condition. Last evaluated: 2024-09-05. Review status: no assertion criteria provided. Collection method: clinical testing. Allele origin: germline. Not counted in ClinVar's aggregate classification.
Comment: The BRCA2 c.5213_5216delCTTA variant is predicted to result in a frameshift and premature protein termination (p.Thr1738Ilefs*2). Also known in the literature as 5439delTACT, this variant has been reported in individuals with breast and/or ovarian cancer (Montagna et al. 2002. PubMed ID: 11920643; Table S1 in Cunningham et al. 2014. PubMed ID: 24504028; Natarajan et al. 2016. PubMed ID: 27831900). This variant is reported in 0.00089% of alleles in individuals of European (Non-Finnish) descent in gnomAD. This variant has been interpreted as pathogenic by an expert review panel in ClinVar. Frameshift variants in BRCA2 are expected to be pathogenic. This variant is interpreted as pathogenic.

CZECANCA consortium
Classification: Pathogenic for Endometrial carcinoma. Last evaluated: 2023-02-21. Review status: no assertion criteria provided. Collection method: clinical testing. Allele origin: germline. Affected: yes. Observed: 1 variant allele. Not counted in ClinVar's aggregate classification.

BRCAlab, Lund University
Classification: Pathogenic for Breast-ovarian cancer, familial, susceptibility to, 2. Last evaluated: 2020-03-02. Review status: no assertion criteria provided. Collection method: clinical testing. Allele origin: germline. Affected: yes. Not counted in ClinVar's aggregate classification.

Research Molecular Genetics Laboratory, Women's College Hospital, University of Toronto
Classification: Pathogenic for Hereditary breast ovarian cancer syndrome. Last evaluated: 2014-01-31. Review status: no assertion criteria provided. Collection method: research. Allele origin: germline. Affected: yes. Study: The Canadian Open Genetics Repository (COGR). Not counted in ClinVar's aggregate classification.

Sharing Clinical Reports Project (SCRP)
Classification: Pathogenic for Breast-ovarian cancer, familial 2. Last evaluated: 2011-08-06. Review status: no assertion criteria provided. Collection method: clinical testing. Allele origin: germline. Not counted in ClinVar's aggregate classification.

Breast Cancer Information Core (BIC) (BRCA2)
Classification: Pathogenic for Breast-ovarian cancer, familial 2. Last evaluated: 2000-06-12. Review status: no assertion criteria provided. Collection method: clinical testing. Allele origin: germline. Affected: yes. Observed: 6 variant alleles. Not counted in ClinVar's aggregate classification.

Clinical Genetics Laboratory, Department of Pathology, Netherlands Cancer Institute
Classification: Pathogenic. Review status: no assertion criteria provided. Collection method: clinical testing. Allele origin: germline. Affected: yes. Study: VKGL Data-share Consensus. Not counted in ClinVar's aggregate classification.

Diagnostic Laboratory, Department of Genetics, University Medical Center Groningen
Classification: Pathogenic for Breast-ovarian cancer, familial, susceptibility to, 2. Review status: no assertion criteria provided. Collection method: clinical testing. Allele origin: germline. Affected: yes. Study: VKGL Data-share Consensus. Not counted in ClinVar's aggregate classification.

Literature cited by the submitters: PubMed 29446198 (cited by 5 submitters); PubMed 20104584 (cited by Labcorp Genetics (formerly Invitae), Labcorp); PubMed 11920643 (cited by 6 submitters); PubMed 16683254 (cited by 5 submitters); PubMed 19949876 (cited by 6 submitters); PubMed 24156927 (cited by 7 submitters); PubMed 24504028 (cited by 3 submitters); PubMed 26659639 (cited by 4 submitters); PubMed 27831900 (cited by 4 submitters); PubMed 33471991 (cited by Department of Pathology and Laboratory Medicine, Sinai Health System); PubMed 28724667 (cited by Department of Pathology and Laboratory Medicine, Sinai Health System and Ambry Genetics); PubMed 30702160 (cited by Department of Pathology and Laboratory Medicine, Sinai Health System); PubMed 35464868 (cited by Department of Pathology and Laboratory Medicine, Sinai Health System and Color Diagnostics, LLC DBA Color Health); PubMed 31076742 (cited by 3 submitters); PubMed 29625052 (cited by Department of Pathology and Laboratory Medicine, Sinai Health System and Quest Diagnostics Nichols Institute San Juan Capistrano); PubMed 28993434 (cited by 4 submitters); PubMed 26577449 (cited by 4 submitters); PubMed 24728189 (cited by 7 submitters); PubMed 22923021 (cited by 7 submitters); PubMed 18489799 (cited by Department of Pathology and Laboratory Medicine, Sinai Health System and Laboratory for Molecular Medicine, Mass General Brigham Personalized Medicine); PubMed 28814288 (cited by Ambry Genetics and Quest Diagnostics Nichols Institute San Juan Capistrano); DOI 10.3389/fgene.2022.834265 (cited by National Health Laboratory Service, Universitas Academic Hospital and University of the Free State); PubMed 15340362 (cited by Women's Health and Genetics/Laboratory Corporation of America, LabCorp); PubMed 12097257 (cited by Women's Health and Genetics/Laboratory Corporation of America, LabCorp); PubMed 21720365 (cited by Women's Health and Genetics/Laboratory Corporation of America, LabCorp).